The following is an entry in ClinVar:

ClinVar aggregate classification (germline): Uncertain significance (1 of 4 stars; one submission).

Conditions:
Developmental and epileptic encephalopathy, 34 (DEE34). Also called: Early infantile epileptic encephalopathy 34; SLC12A5-Related Epilepsy of Infancy with Migrating Focal Seizures. Identifiers: Orphanet 293181, MedGen C4225257, MONDO:0014718, OMIM 616645.

Allele frequency attached by ClinVar (database versions not stated): gnomAD exomes 0.00001.
gnomAD v4.1: 8 of 1,597,526 alleles (0.0005%); highest among the groups gnomAD compares: South Asian, 0.0091%; no homozygotes.

Submission:

Labcorp Genetics (formerly Invitae), Labcorp
Classification: Uncertain significance for Developmental and epileptic encephalopathy, 34. Last evaluated: 2020-02-24. Review status: criteria provided, single submitter. Criteria: Invitae Variant Classification Sherloc (09022015). Collection method: clinical testing. Allele origin: germline.
Comment: This variant has not been reported in the literature in individuals with SLC12A5-related disease. This sequence change replaces alanine with valine at codon 722 of the SLC12A5 protein (p.Ala722Val). The alanine residue is moderately conserved and there is a small physicochemical difference between alanine and valine. This variant is not present in population databases (ExAC no frequency). Algorithms developed to predict the effect of missense changes on protein structure and function (SIFT, PolyPhen-2, Align-GVGD) all suggest that this variant is likely to be tolerated, but these predictions have not been confirmed by published functional studies and their clinical significance is uncertain. In summary, the available evidence is currently insufficient to determine the role of this variant in disease. Therefore, it has been classified as a Variant of Uncertain Significance.

NM_020708.5(SLC12A5):c.2165C>T (p.Ala722Val)

Gene: SLC12A5 (solute carrier family 12 member 5; plus strand). Cytogenetic location: 20q13.12.
Variant type: single nucleotide variant.
Coding change: c.2165C>T on transcript NM_020708.5 (MANE Select); coding-DNA position 2165, C replaced by T.
Protein change: p.Ala722Val; replaces alanine 722 with valine.
Molecular consequence: missense variant.
Genome position (GRCh38, 1-based): chr20:46,049,774, C>T. VCF-style: chr20-46049774-C-T. GRCh37 (hg19) VCF-style: chr20-44678413-C-T.
Other names: c.2234C>T, p.Ala745Val (NM_001134771.2); short protein forms A722V, A745V.
Identifiers: ClinVar variation 579252 (VCV000579252.10), dbSNP rs1301239632, ClinGen allele CA409202762.